The following is an entry in ClinVar:

NM_001100.4(ACTA1):c.392T>C (p.Val131Ala)

Gene: ACTA1 (actin alpha 1, skeletal muscle; minus strand). Cytogenetic location: 1q42.13.
Variant type: single nucleotide variant.
Coding change: c.392T>C on transcript NM_001100.4 (MANE Select); coding-DNA position 392, T replaced by C.
Protein change: p.Val131Ala; replaces valine 131 with alanine.
Molecular consequence: missense variant.
Genome position (GRCh38, 1-based): chr1:229,432,618, A>G on the plus strand (T>C on the coding strand, the complement: ACTA1 is on the minus strand). VCF-style: chr1-229432618-A-G. GRCh37 (hg19) VCF-style: chr1-229568365-A-G.
Other names: short protein forms V131A.
Identifiers: ClinVar variation 3390001 (VCV003390001.14).

ClinVar aggregate classification (germline): Uncertain significance (1 of 4 stars; one submission).

gnomAD v4.1: 1 of 1,613,980 alleles (0.000062%); highest among the groups gnomAD compares: Non-Finnish European, 0.000085%; no homozygotes.

Submission:

CeGaT Center for Human Genetics Tuebingen
Classification: Uncertain significance. Last evaluated: 2024-10-01. Review status: criteria provided, single submitter. Criteria: CeGaT Center For Human Genetics Tuebingen Variant Classification Criteria Version 2. Collection method: clinical testing. Allele origin: germline. Affected: yes. Observed: 1 variant allele.
Comment: ACTA1: PP2, PP3